The following is an entry in ClinVar:

NM_018136.5(ASPM):c.8596_8597del (p.Leu2866fs)

Gene: ASPM (assembly factor for spindle microtubules; minus strand). Cytogenetic location: 1q31.3.
Variant type: Deletion.
Coding change: c.8596_8597del on transcript NM_018136.5 (MANE Select); coding-DNA positions 8596 to 8597, 2 bases deleted (TT; older notation c.8596_8597delTT).
Protein change: p.Leu2866fs; shifts the reading frame from leucine 2866.
Molecular consequence: frameshift variant. On other transcripts: intron variant (1).
Genome position (GRCh38, 1-based): chr1:197,100,654-197,100,655, AA deleted on the plus strand (TT on the coding strand, the reverse complement: ASPM is on the minus strand); deleting any 2 consecutive bases within chr1:197,100,654-197,100,656 gives the same sequence; the c. name uses the placement nearest the transcript's 3' end. VCF-style (leftmost placement, unchanged base first): chr1-197100653-TAA-T. GRCh37 (hg19) VCF-style: chr1-197069783-TAA-T.
Other names: c.4066-4491_4066-4490del (NM_001206846.2); short protein forms L2866fs.
Identifiers: ClinVar variation 800509 (VCV000800509.1), dbSNP rs1571596976, ClinGen allele CA658795317.

ClinVar aggregate classification (germline): Pathogenic (1 of 4 stars; one submission).

Conditions:
Microcephaly 5, primary, autosomal recessive (MCPH5). Also called: ASPM Primary Microcephaly. Identifiers: Orphanet 2512, MedGen C1837501, MONDO:0012106, OMIM 608716.

Submission:

Broad Center for Mendelian Genomics, Broad Institute of MIT and Harvard
Classification: Pathogenic for Microcephaly 5, primary, autosomal recessive. Last evaluated: 2018-11-15. Review status: criteria provided, single submitter. Criteria: ACMG Guidelines, 2015. Collection method: research. Allele origin: germline. Inheritance: Autosomal recessive inheritance. Affected: yes.
Comment: This variant was absent from large population studies. This variant is predicted to cause a frameshift, which alters the protein's amino acid sequence beginning at position 2866 and leads to a premature termination codon 5 amino acids downstream. This alteration is then predicted to lead to a truncated or absent protein. Loss of function of the ASPM gene is an established disease mechanism in autosomal recessive Primary Microcephaly, and this is a loss of function variant. In summary, this variant is pathogenic.